The following is an entry in ClinVar:

ClinVar aggregate classification (germline): Uncertain significance (1 of 4 stars; one submission).

Submission:

Labcorp Genetics (formerly Invitae), Labcorp
Classification: Uncertain significance. Last evaluated: 2023-03-27. Review status: criteria provided, single submitter. Criteria: Invitae Variant Classification Sherloc (09022015). Collection method: clinical testing. Allele origin: germline.
Comment: This sequence change replaces glutamic acid, which is acidic and polar, with aspartic acid, which is acidic and polar, at codon 166 of the PDE6B protein (p.Glu166Asp). This variant is not present in population databases (gnomAD no frequency). This variant has not been reported in the literature in individuals affected with PDE6B-related conditions. Advanced modeling of protein sequence and biophysical properties (such as structural, functional, and spatial information, amino acid conservation, physicochemical variation, residue mobility, and thermodynamic stability) performed at Invitae indicates that this missense variant is not expected to disrupt PDE6B protein function. In summary, the available evidence is currently insufficient to determine the role of this variant in disease. Therefore, it has been classified as a Variant of Uncertain Significance.

NM_000283.4(PDE6B):c.498G>C (p.Glu166Asp)

Gene: PDE6B (phosphodiesterase 6B; plus strand). Cytogenetic location: 4p16.3.
Variant type: single nucleotide variant.
Coding change: c.498G>C on transcript NM_000283.4 (MANE Select); coding-DNA position 498, G replaced by C.
Protein change: p.Glu166Asp; replaces glutamic acid 166 with aspartic acid.
Molecular consequence: missense variant.
Genome position (GRCh38, 1-based): chr4:634,706, G>C. VCF-style: chr4-634706-G-C. GRCh37 (hg19) VCF-style: chr4-628495-G-C.
Other names: c.498G>C, p.Glu166Asp (NM_001145291.2); short protein forms E166D.
Identifiers: ClinVar variation 2849969 (VCV002849969.3), dbSNP rs2474104158, ClinGen allele CA355908151.